The following is an entry in ClinVar:

ClinVar aggregate classification (germline): Uncertain significance (1 of 4 stars; one submission).

Submission:

Labcorp Genetics (formerly Invitae), Labcorp
Classification: Uncertain significance. Last evaluated: 2022-02-25. Review status: criteria provided, single submitter. Criteria: Invitae Variant Classification Sherloc (09022015). Collection method: clinical testing. Allele origin: germline.
Comment: This sequence change replaces glycine, which is neutral and non-polar, with glutamic acid, which is acidic and polar, at codon 82 of the ROM1 protein (p.Gly82Glu). This variant is not present in population databases (gnomAD no frequency). This variant has not been reported in the literature in individuals affected with ROM1-related conditions. In summary, the available evidence is currently insufficient to determine the role of this variant in disease. Therefore, it has been classified as a Variant of Uncertain Significance. Algorithms developed to predict the effect of missense changes on protein structure and function output the following: SIFT: "Tolerated"; PolyPhen-2: "Benign"; Align-GVGD: "Class C0". The glutamic acid amino acid residue is found in multiple mammalian species, which suggests that this missense change does not adversely affect protein function.

NM_000327.4(ROM1):c.245G>A (p.Gly82Glu)

Gene: ROM1 (retinal outer segment membrane protein 1; plus strand). Cytogenetic location: 11q12.3.
Variant type: single nucleotide variant.
Coding change: c.245G>A on transcript NM_000327.4 (MANE Select); coding-DNA position 245, G replaced by A.
Protein change: p.Gly82Glu; replaces glycine 82 with glutamic acid.
Molecular consequence: missense variant.
Genome position (GRCh38, 1-based): chr11:62,613,526, G>A. VCF-style: chr11-62613526-G-A. GRCh37 (hg19) VCF-style: chr11-62380998-G-A.
Other names: short protein forms G82E.
Identifiers: ClinVar variation 1493332 (VCV001493332.6), dbSNP rs776746931, ClinGen allele CA380969087.
Genomic context (GRCh38, chr11:62,613,526, plus strand): 5'-TGCCCCAGGCTGCCCTGGCAGCGGGCGCGGTGGCTCTGGGCACAGGACTAGTGGGTGTAG[G>A]AGCCAGCCGGGCAAGTCTGAATGCAGCTCTATACCCTCCCTGGCGAGGGGTCCTGGGCCC-3'
Protein context (NP_000318.2, residues 72-92): VALGTGLVGV[Gly82Glu]ASRASLNAAL